The following is an entry in ClinVar:

NM_001042492.3(NF1):c.6647G>T (p.Cys2216Phe)

Gene: NF1 (neurofibromin 1; plus strand). Cytogenetic location: 17q11.2.
Variant type: single nucleotide variant.
Coding change: c.6647G>T on transcript NM_001042492.3 (MANE Select); coding-DNA position 6647, G replaced by T.
Protein change: p.Cys2216Phe; replaces cysteine 2216 with phenylalanine.
Molecular consequence: missense variant.
Genome position (GRCh38, 1-based): chr17:31,337,823, G>T. VCF-style: chr17-31337823-G-T. GRCh37 (hg19) VCF-style: chr17-29664841-G-T.
Other names: c.6584G>T, p.Cys2195Phe (NM_000267.4); short protein forms C2195F, C2216F.
Identifiers: ClinVar variation 566978 (VCV000566978.13), dbSNP rs1567617669, ClinGen allele CA399013678.

ClinVar aggregate classification (germline): Conflicting classifications of pathogenicity. Review status: criteria provided, conflicting classifications (1 of 4 stars). 5 submissions from 5 submitters: Uncertain significance (4); Likely benign (1). Last evaluated 2025-11-24.

Conditions:
Juvenile myelomonocytic leukemia (JMML). Also called: LEUKEMIA, JUVENILE MYELOMONOCYTIC, SOMATIC. Identifiers: Orphanet 86834, MedGen C0349639, MONDO:0011908, OMIM 607785, HP:0012209.
Hereditary cancer-predisposing syndrome. Also called: Neoplastic Syndromes, Hereditary; Tumor predisposition; Hereditary Cancer Syndrome; Hereditary neoplastic syndrome. Identifiers: Orphanet 140162, MedGen C0027672, MeSH D009386, MONDO:0015356.
Cardiovascular phenotype. Identifiers: MedGen CN230736.
Neurofibromatosis, type 1 (NF1). Also called: VON RECKLINGHAUSEN DISEASE; NEUROFIBROMATOSIS, TYPE I, SOMATIC; Peripheral type neurofibromatosis; Neurofibromatosis, type I. Identifiers: Orphanet 636, MedGen C0027831, MONDO:0018975, OMIM 162200. Disease mechanism: loss of function.

Allele frequency attached by ClinVar (database versions not stated): gnomAD exomes below 0.00001; TOPMed below 0.00001.
gnomAD v4.1: 2 of 1,613,756 alleles (0.00012%); highest among the groups gnomAD compares: African/African-American, 0.0013%; no homozygotes.

Submissions (5):

Labcorp Genetics (formerly Invitae), Labcorp
Classification: Likely benign for Neurofibromatosis, type 1. Last evaluated: 2025-11-24. Review status: criteria provided, single submitter. Criteria: Invitae Variant Classification Sherloc (09022015). Collection method: clinical testing. Allele origin: germline.

Baylor Genetics
Classification: Uncertain significance for Juvenile myelomonocytic leukemia. Last evaluated: 2023-10-27. Review status: criteria provided, single submitter. Criteria: ACMG Guidelines, 2015. Collection method: clinical testing. Allele origin: unknown.

Genome-Nilou Lab
Classification: Uncertain significance for Neurofibromatosis, type 1. Last evaluated: 2022-03-15. Review status: criteria provided, single submitter. Criteria: ACMG Guidelines, 2015. Collection method: clinical testing. Allele origin: germline. Affected: no.

Ambry Genetics
Classification: Uncertain significance for Cardiovascular phenotype; Hereditary cancer-predisposing syndrome. Last evaluated: 2021-08-13. Review status: criteria provided, single submitter. Criteria: Ambry Variant Classification Scheme 2023. Collection method: clinical testing. Allele origin: germline.
Comment: The p.C2195F variant (also known as c.6584G>T), located in coding exon 43 of the NF1 gene, results from a G to T substitution at nucleotide position 6584. The cysteine at codon 2195 is replaced by phenylalanine, an amino acid with highly dissimilar properties. This amino acid position is highly conserved in available vertebrate species. In addition, the in silico prediction for this alteration is inconclusive. Since supporting evidence is limited at this time, the clinical significance of this alteration remains unclear.

GeneDx
Classification: Uncertain significance. Last evaluated: 2021-05-19. Review status: criteria provided, single submitter. Criteria: GeneDx Variant Classification Process June 2021. Collection method: clinical testing. Allele origin: germline. Affected: yes.
Comment: Not observed in large population cohorts (Lek et al., 2016); In silico analysis, which includes protein predictors and evolutionary conservation, supports a deleterious effect; Has not been previously published as pathogenic or benign to our knowledge